The following is an entry in ClinVar:

ClinVar aggregate classification (germline): Likely benign. Review status: criteria provided, multiple submitters, no conflicts (2 of 4 stars). 3 submissions from 3 submitters: Likely benign (2). 1 of the submissions does not count toward it. Last evaluated 2018-06-13.

Conditions:
DNAH6-related disorder. Also called: DNAH6-related condition.

Allele frequency attached by ClinVar (database versions not stated): 1000 Genomes Project 0.00040; 1000 Genomes Project 30x 0.00109; ExAC 0.00145; gnomAD exomes 0.00190; TOPMed 0.00218; gnomAD 0.00233 and 0.00245; ESP Exome Variant Server 0.00329.
gnomAD v4.1: 5,892 of 1,551,414 alleles (0.38%); highest among the groups gnomAD compares: Non-Finnish European, 0.48%; 20 homozygotes.

Submissions (3):

Labcorp Genetics (formerly Invitae), Labcorp
Classification: Likely benign. Last evaluated: 2018-06-13. Review status: criteria provided, single submitter. Criteria: Invitae Variant Classification Sherloc (09022015). Collection method: clinical testing. Allele origin: germline.

Breakthrough Genomics
Classification: Likely benign. Review status: criteria provided, single submitter. Criteria: ACMG Guidelines, 2015. Collection method: not provided. Allele origin: germline. Inheritance: Unknown mechanism. Affected: yes.

PreventionGenetics, part of Exact Sciences
Classification: Likely benign for DNAH6-related condition. Last evaluated: 2020-09-30. Review status: no assertion criteria provided. Collection method: clinical testing. Allele origin: germline. Not counted in ClinVar's aggregate classification.
Comment: This variant is classified as likely benign based on ACMG/AMP sequence variant interpretation guidelines (Richards et al. 2015 PMID: 25741868, with internal and published modifications).

NM_001370.2(DNAH6):c.12352G>A (p.Ala4118Thr)

Gene: DNAH6 (dynein axonemal heavy chain 6; plus strand). Cytogenetic location: 2p11.2.
Variant type: single nucleotide variant.
Coding change: c.12352G>A on transcript NM_001370.2 (MANE Select); coding-DNA position 12352, G replaced by A.
Protein change: p.Ala4118Thr; replaces alanine 4118 with threonine.
Molecular consequence: missense variant.
Genome position (GRCh38, 1-based): chr2:84,816,062, G>A. VCF-style: chr2-84816062-G-A. GRCh37 (hg19) VCF-style: chr2-85043186-G-A.
Other names: short protein forms A4118T.
Identifiers: ClinVar variation 719232 (VCV000719232.6), dbSNP rs72836490, ClinGen allele CA1737889.